The following is an entry in ClinVar:

ClinVar aggregate classification (germline): Pathogenic (1 of 4 stars; one submission).

Submission:

Labcorp Genetics (formerly Invitae), Labcorp
Classification: Pathogenic. Last evaluated: 2023-08-01. Review status: criteria provided, single submitter. Criteria: Invitae Variant Classification Sherloc (09022015). Collection method: clinical testing. Allele origin: germline.
Comment: This sequence change creates a premature translational stop signal (p.His180Profs*3) in the MCM3AP gene. It is expected to result in an absent or disrupted protein product. Loss-of-function variants in MCM3AP are known to be pathogenic (PMID: 28633435). For these reasons, this variant has been classified as Pathogenic. This variant is present in population databases (no rsID available, gnomAD 0.0009%). This variant has not been reported in the literature in individuals affected with MCM3AP-related conditions. ClinVar contains an entry for this variant (Variation ID: 2028549).

Literature cited by the submitters: PubMed 28633435.

NM_003906.5(MCM3AP):c.539_540del (p.His180fs)

Gene: MCM3AP (minichromosome maintenance complex component 3 associated protein; minus strand). Cytogenetic location: 21q22.3.
Variant type: Deletion.
Coding change: c.539_540del on transcript NM_003906.5 (MANE Select); coding-DNA positions 539 to 540, 2 bases deleted (AC; older notation c.539_540delAC).
Protein change: p.His180fs; shifts the reading frame from histidine 180.
Molecular consequence: frameshift variant.
Genome position (GRCh38, 1-based): chr21:46,284,747-46,284,748, GT deleted on the plus strand (AC on the coding strand, the reverse complement: MCM3AP is on the minus strand); deleting any 2 consecutive bases within chr21:46,284,747-46,284,749 gives the same sequence; the c. name uses the placement nearest the transcript's 3' end. VCF-style (leftmost placement, unchanged base first): chr21-46284746-GGT-G. GRCh37 (hg19) VCF-style: chr21-47704660-GGT-G.
Other names: short protein forms H180fs.
Identifiers: ClinVar variation 2028549 (VCV002028549.4), dbSNP rs1163707779, ClinGen allele CA638498979.